The following is an entry in ClinVar:

ClinVar aggregate classification (germline): Uncertain significance. Review status: criteria provided, multiple submitters, no conflicts (2 of 4 stars). 2 submissions from 2 submitters: Uncertain significance (2). Last evaluated 2026-08-10.

Conditions:
Cerebral cavernous malformation 3. Also called: Familial Cerebral Cavernous Malformation 3. Identifiers: Orphanet 221061, MedGen C1864040, MONDO:0011305, OMIM 603285.
Inborn genetic diseases. Identifiers: MedGen C0950123, MeSH D030342.

gnomAD v4.1: 21 of 1,611,824 alleles (0.0013%); highest among the groups gnomAD compares: Non-Finnish European, 0.0016%; no homozygotes.

Submissions (2):

Ambry Genetics
Classification: Uncertain significance for Inborn genetic diseases. Last evaluated: 2026-08-10. Review status: criteria provided, single submitter. Criteria: Ambry Variant Classification Scheme 2023. Collection method: clinical testing. Allele origin: germline.
Comment: The p.S71N variant (also known as c.212G>A), located in coding exon 3 of the PDCD10 gene, results from a G to A substitution at nucleotide position 212. The serine at codon 71 is replaced by asparagine, an amino acid with highly similar properties. This amino acid position is conserved. In addition, this alteration is predicted to be tolerated by in silico analysis. Based on the available evidence, the clinical significance of this variant remains unclear.

Labcorp Genetics (formerly Invitae), Labcorp
Classification: Uncertain significance for Cerebral cavernous malformation 3. Last evaluated: 2024-06-21. Review status: criteria provided, single submitter. Criteria: Invitae Variant Classification Sherloc (09022015). Collection method: clinical testing. Allele origin: germline.
Comment: This sequence change replaces serine, which is neutral and polar, with asparagine, which is neutral and polar, at codon 71 of the PDCD10 protein (p.Ser71Asn). This variant is present in population databases (rs777116363, gnomAD 0.003%). This variant has not been reported in the literature in individuals affected with PDCD10-related conditions. An algorithm developed to predict the effect of missense changes on protein structure and function (PolyPhen-2) suggests that this variant is likely to be tolerated. In summary, the available evidence is currently insufficient to determine the role of this variant in disease. Therefore, it has been classified as a Variant of Uncertain Significance.

NM_007217.4(PDCD10):c.212G>A (p.Ser71Asn)

Gene: PDCD10 (programmed cell death 10; minus strand). Cytogenetic location: 3q26.1.
Variant type: single nucleotide variant.
Coding change: c.212G>A on transcript NM_007217.4 (MANE Select); coding-DNA position 212, G replaced by A.
Protein change: p.Ser71Asn; replaces serine 71 with asparagine.
Molecular consequence: missense variant.
Genome position (GRCh38, 1-based): chr3:167,697,065, C>T on the plus strand (G>A on the coding strand, the complement: PDCD10 is on the minus strand). VCF-style: chr3-167697065-C-T. GRCh37 (hg19) VCF-style: chr3-167414853-C-T.
Other names: c.212G>A, p.Ser71Asn (NM_145859.2, NM_145860.2); c.212G>A (NM_145860.1); short protein forms S71N.
Identifiers: ClinVar variation 3632109 (VCV003632109.3).